The following is an entry in ClinVar:

ClinVar aggregate classification (germline): Uncertain significance (1 of 4 stars; one submission).

Allele frequency attached by ClinVar (database versions not stated): TOPMed below 0.00001; gnomAD 0.00001.

Submission:

Labcorp Genetics (formerly Invitae), Labcorp
Classification: Uncertain significance. Last evaluated: 2022-12-06. Review status: criteria provided, single submitter. Criteria: Invitae Variant Classification Sherloc (09022015). Collection method: clinical testing. Allele origin: germline.
Comment: In summary, the available evidence is currently insufficient to determine the role of this variant in disease. Therefore, it has been classified as a Variant of Uncertain Significance. Advanced modeling of protein sequence and biophysical properties (such as structural, functional, and spatial information, amino acid conservation, physicochemical variation, residue mobility, and thermodynamic stability) performed at Invitae indicates that this missense variant is not expected to disrupt HIVEP2 protein function. This variant has not been reported in the literature in individuals affected with HIVEP2-related conditions. This variant is not present in population databases (gnomAD no frequency). This sequence change replaces glutamic acid, which is acidic and polar, with aspartic acid, which is acidic and polar, at codon 776 of the HIVEP2 protein (p.Glu776Asp).

NM_006734.4(HIVEP2):c.2328G>C (p.Glu776Asp)

Gene: HIVEP2 (HIVEP zinc finger 2; minus strand). Cytogenetic location: 6q24.2.
Variant type: single nucleotide variant.
Coding change: c.2328G>C on transcript NM_006734.4 (MANE Select); coding-DNA position 2328, G replaced by C.
Protein change: p.Glu776Asp; replaces glutamic acid 776 with aspartic acid.
Molecular consequence: missense variant.
Genome position (GRCh38, 1-based): chr6:142,772,411, C>G on the plus strand (G>C on the coding strand, the complement: HIVEP2 is on the minus strand). VCF-style: chr6-142772411-C-G. GRCh37 (hg19) VCF-style: chr6-143093548-C-G.
Other names: short protein forms E776D.
Identifiers: ClinVar variation 2818933 (VCV002818933.3), dbSNP rs760450845, ClinGen allele CA365910017.